The following is an entry in ClinVar:

NM_005413.4(SIX3):c.296_304dup (p.Glu101_Thr102insMetGluGlu)

Gene: SIX3 (SIX homeobox 3; plus strand). Cytogenetic location: 2p21.
Variant type: Duplication.
Coding change: c.296_304dup on transcript NM_005413.4 (MANE Select); coding-DNA positions 296 to 304, 9 bases duplicated (TGGAGGAGA; older notation c.296_304dupTGGAGGAGA).
Protein change: p.Glu101_Thr102insMetGluGlu.
Molecular consequence: inframe insertion.
Genome position (GRCh38, 1-based): chr2:44,942,400-44,942,408, TGGAGGAGA duplicated. VCF-style (leftmost placement, unchanged base first): chr2-44942399-C-CTGGAGGAGA. GRCh37 (hg19) VCF-style: chr2-45169538-C-CTGGAGGAGA.
Identifiers: ClinVar variation 2863580 (VCV002863580.3), dbSNP rs2466513802, ClinGen allele CA2739274364.

ClinVar aggregate classification (germline): Uncertain significance (1 of 4 stars; one submission).

Conditions:
Holoprosencephaly 2 (HPE2). Identifiers: Orphanet 2162, MedGen C1834877, MONDO:0007999, OMIM 157170.

Submission:

Labcorp Genetics (formerly Invitae), Labcorp
Classification: Uncertain significance for Holoprosencephaly 2. Last evaluated: 2023-05-12. Review status: criteria provided, single submitter. Criteria: Invitae Variant Classification Sherloc (09022015). Collection method: clinical testing. Allele origin: germline.
Comment: This variant, c.296_304dup, results in the insertion of 3 amino acid(s) of the SIX3 protein (p.Glu101_Thr102insMetGluGlu), but otherwise preserves the integrity of the reading frame. This variant is not present in population databases (gnomAD no frequency). This variant has not been reported in the literature in individuals affected with SIX3-related conditions. In summary, the available evidence is currently insufficient to determine the role of this variant in disease. Therefore, it has been classified as a Variant of Uncertain Significance.